The following is an entry in ClinVar:

NM_007259.5(VPS45):c.1567C>T (p.Arg523Cys)

Gene: VPS45 (vacuolar protein sorting 45 homolog; plus strand). Cytogenetic location: 1q21.2.
Variant type: single nucleotide variant.
Coding change: c.1567C>T on transcript NM_007259.5 (MANE Select); coding-DNA position 1567, C replaced by T.
Protein change: p.Arg523Cys; replaces arginine 523 with cysteine.
Molecular consequence: missense variant. On other transcripts: non-coding transcript variant (1).
Genome position (GRCh38, 1-based): chr1:150,110,569, C>T. VCF-style: chr1-150110569-C-T. GRCh37 (hg19) VCF-style: chr1-150082684-C-T.
Other names: c.1252C>T, p.Arg418Cys (NM_001279353.2); c.1459C>T, p.Arg487Cys (NM_001279354.2); short protein forms R418C, R487C, R523C.
Identifiers: ClinVar variation 841086 (VCV000841086.3), dbSNP rs782426640, ClinGen allele CA1073449.

ClinVar aggregate classification (germline): Uncertain significance (1 of 4 stars; one submission).

Conditions:
Congenital neutropenia-myelofibrosis-nephromegaly syndrome. Also called: Severe congenital neutropenia 5, autosomal recessive. Identifiers: Orphanet 369852, MedGen C3809031, MONDO:0014118, OMIM 615285.

Allele frequency attached by ClinVar (database versions not stated): TOPMed 0.00001; ExAC 0.00002; gnomAD 0.00002; gnomAD exomes 0.00003 and 0.00004.
gnomAD v4.1: 59 of 1,613,708 alleles (0.0037%); highest among the groups gnomAD compares: Non-Finnish European, 0.0047%; no homozygotes.

Submission:

Labcorp Genetics (formerly Invitae), Labcorp
Classification: Uncertain significance for Congenital neutropenia-myelofibrosis-nephromegaly syndrome. Last evaluated: 2022-08-06. Review status: criteria provided, single submitter. Criteria: Invitae Variant Classification Sherloc (09022015). Collection method: clinical testing. Allele origin: germline.
Comment: This sequence change replaces arginine, which is basic and polar, with cysteine, which is neutral and slightly polar, at codon 523 of the VPS45 protein (p.Arg523Cys). This variant is present in population databases (rs782426640, gnomAD 0.01%). This variant has not been reported in the literature in individuals affected with VPS45-related conditions. ClinVar contains an entry for this variant (Variation ID: 841086). Algorithms developed to predict the effect of missense changes on protein structure and function are either unavailable or do not agree on the potential impact of this missense change (SIFT: "Deleterious"; PolyPhen-2: "Benign"; Align-GVGD: "Class C0"). In summary, the available evidence is currently insufficient to determine the role of this variant in disease. Therefore, it has been classified as a Variant of Uncertain Significance.